The following is an entry in ClinVar:

NM_017841.4(SDHAF2):c.83T>A (p.Val28Glu)

Gene: SDHAF2 (succinate dehydrogenase complex assembly factor 2; plus strand). Cytogenetic location: 11q12.2.
Variant type: single nucleotide variant.
Coding change: c.83T>A on transcript NM_017841.4 (MANE Select); coding-DNA position 83, T replaced by A.
Protein change: p.Val28Glu; replaces valine 28 with glutamic acid.
Molecular consequence: missense variant.
Genome position (GRCh38, 1-based): chr11:61,437,671, T>A. VCF-style: chr11-61437671-T-A. GRCh37 (hg19) VCF-style: chr11-61205143-T-A.
Other names: short protein forms V28E.
Identifiers: ClinVar variation 822386 (VCV000822386.13), dbSNP rs1590764751, ClinGen allele CA380682952.

ClinVar aggregate classification (germline): Conflicting classifications of pathogenicity. Review status: criteria provided, conflicting classifications (1 of 4 stars). 2 submissions from 2 submitters: Uncertain significance (1); Likely benign (1). Last evaluated 2025-04-21.

Conditions:
Hereditary cancer-predisposing syndrome. Also called: Hereditary Cancer Syndrome; Tumor predisposition; Neoplastic Syndromes, Hereditary; Hereditary neoplastic syndrome. Identifiers: Orphanet 140162, MedGen C0027672, MeSH D009386, MONDO:0015356.
Hereditary pheochromocytoma and paraganglioma. Also called: Hereditary pheochromocytoma-paraganglioma; Hereditary paragangliomas and pheochromocytomas; Hereditary Paraganglioma-Pheochromocytoma Syndromes. Identifiers: Orphanet 29072, MedGen C4274332, MONDO:0017366.

Submissions (2):

Ambry Genetics
Classification: Likely benign for Hereditary cancer-predisposing syndrome. Last evaluated: 2025-04-21. Review status: criteria provided, single submitter. Criteria: Ambry Variant Classification Scheme 2023. Collection method: clinical testing. Allele origin: germline.

Labcorp Genetics (formerly Invitae), Labcorp
Classification: Uncertain significance for Hereditary pheochromocytoma and paraganglioma. Last evaluated: 2024-02-17. Review status: criteria provided, single submitter. Criteria: Invitae Variant Classification Sherloc (09022015). Collection method: clinical testing. Allele origin: germline.
Comment: This sequence change replaces valine, which is neutral and non-polar, with glutamic acid, which is acidic and polar, at codon 28 of the SDHAF2 protein (p.Val28Glu). This variant is not present in population databases (gnomAD no frequency). This variant has not been reported in the literature in individuals affected with SDHAF2-related conditions. ClinVar contains an entry for this variant (Variation ID: 822386). An algorithm developed to predict the effect of missense changes on protein structure and function (PolyPhen-2) suggests that this variant is likely to be tolerated. In summary, the available evidence is currently insufficient to determine the role of this variant in disease. Therefore, it has been classified as a Variant of Uncertain Significance.